The following is an entry in ClinVar:

ClinVar aggregate classification (germline): Pathogenic. Review status: criteria provided, single submitter (1 of 4 stars). 3 submissions from 3 submitters: Pathogenic (1). 2 of the submissions do not count toward it. Last evaluated 2024-11-05.

Conditions:
ITGA8-related disorder. Also called: ITGA8-related condition.
Renal hypodysplasia/aplasia 1 (RHDA1). Also called: RENAL APLASIA; HEREDITARY RENAL APLASIA. Identifiers: Orphanet 411709, MedGen C1619700, MONDO:0024519, OMIM 191830.

Allele frequency attached by ClinVar (database versions not stated): ExAC 0.00002; gnomAD exomes 0.00001 and 0.00002; gnomAD 0.00002; TOPMed 0.00002; ESP Exome Variant Server 0.00008.
gnomAD v4.1: 18 of 1,613,038 alleles (0.0011%); highest among the groups gnomAD compares: Middle Eastern, 0.016%; no homozygotes.

Submissions (3):

Gharavi Laboratory, Columbia University
Classification: Pathogenic for Renal hypodysplasia/aplasia 1. Last evaluated: 2024-11-05. Review status: criteria provided, single submitter. Criteria: ACMG Guidelines, 2015. Collection method: case-control. Allele origin: germline. Affected: yes.
Comment: Compound heterozygote with NM_003638.3:c.467G>A

ENST00000378076

PreventionGenetics, part of Exact Sciences
Classification: Likely pathogenic for ITGA8-related condition. Last evaluated: 2024-07-24. Review status: no assertion criteria provided. Collection method: clinical testing. Allele origin: germline. Not counted in ClinVar's aggregate classification.
Comment: The ITGA8 c.1219G>A variant is predicted to result in the amino acid substitution p.Gly407Arg. This variant was reported in the compound heterozygous state with a frameshift variant (c.1622_1626delAGGTG, p. p.Glu541Alafs*12) in two siblings with bilateral renal agenesis (Humbert et al. 2014. PubMed ID: 24439109). Functional studies indicate that the c.1219G>A (p.Gly407Arg) variant affects localization of ITGA8 protein at the plasma membrane and consequently integrin α8β1-dependent cell adhesion and spreading (Humbert et al. 2014. PubMed ID: 24439109). This variant is reported in 0.0040% of alleles in individuals of African descent in gnomAD. This variant is interpreted as likely pathogenic

OMIM
Classification: Pathogenic for RENAL HYPODYSPLASIA/APLASIA 1. Last evaluated: 2014-02-06. Review status: no assertion criteria provided. Collection method: literature only. Allele origin: germline. Not counted in ClinVar's aggregate classification.

Literature cited by the submitters: PubMed 24439109 (cited by OMIM).

NM_003638.3(ITGA8):c.1219G>A (p.Gly407Arg)

Gene: ITGA8 (integrin subunit alpha 8; minus strand). Cytogenetic location: 10p13.
Variant type: single nucleotide variant.
Coding change: c.1219G>A on transcript NM_003638.3 (MANE Select); coding-DNA position 1219, G replaced by A.
Protein change: p.Gly407Arg; replaces glycine 407 with arginine.
Molecular consequence: missense variant.
Genome position (GRCh38, 1-based): chr10:15,644,210, C>T on the plus strand (G>A on the coding strand, the complement: ITGA8 is on the minus strand). VCF-style: chr10-15644210-C-T. GRCh37 (hg19) VCF-style: chr10-15686209-C-T.
Other names: c.1174G>A, p.Gly392Arg (NM_001291494.2); short protein forms G407R, G392R.
Identifiers: ClinVar variation 126500 (VCV000126500.4), dbSNP rs374664941, ClinGen allele CA151161.